The following is an entry in ClinVar:

NM_000212.3(ITGB3):c.2243A>G (p.His748Arg)

Genes: EFCAB13-DT (EFCAB13 divergent transcript; minus strand), ITGB3 (integrin subunit beta 3; plus strand). Cytogenetic location: 17q21.32.
Variant type: single nucleotide variant.
Coding change: c.2243A>G on transcript NM_000212.3 (MANE Select); coding-DNA position 2243, A replaced by G.
Protein change: p.His748Arg; replaces histidine 748 with arginine.
Molecular consequence: missense variant.
Genome position (GRCh38, 1-based): chr17:47,307,579, A>G. VCF-style: chr17-47307579-A-G. GRCh37 (hg19) VCF-style: chr17-45384945-A-G.
Other names: short protein forms H748R.
Identifiers: ClinVar variation 2718700 (VCV002718700.3), dbSNP rs2143150717, ClinGen allele CA400034289.

ClinVar aggregate classification (germline): Uncertain significance (1 of 4 stars; one submission).

Submission:

Labcorp Genetics (formerly Invitae), Labcorp
Classification: Uncertain significance. Last evaluated: 2024-01-11. Review status: criteria provided, single submitter. Criteria: Invitae Variant Classification Sherloc (09022015). Collection method: clinical testing. Allele origin: germline.
Comment: This sequence change replaces histidine, which is basic and polar, with arginine, which is basic and polar, at codon 748 of the ITGB3 protein (p.His748Arg). This variant is not present in population databases (gnomAD no frequency). This variant has not been reported in the literature in individuals affected with ITGB3-related conditions. Advanced modeling of protein sequence and biophysical properties (such as structural, functional, and spatial information, amino acid conservation, physicochemical variation, residue mobility, and thermodynamic stability) performed at Invitae indicates that this missense variant is not expected to disrupt ITGB3 protein function with a negative predictive value of 80%. In summary, the available evidence is currently insufficient to determine the role of this variant in disease. Therefore, it has been classified as a Variant of Uncertain Significance.